The following is an entry in ClinVar:

ClinVar aggregate classification (germline): Conflicting classifications of pathogenicity. Review status: criteria provided, conflicting classifications (1 of 4 stars). 2 submissions from 2 submitters: Uncertain significance (1); Likely benign (1). Last evaluated 2025-11-01.

Allele frequency attached by ClinVar (database versions not stated): ESP Exome Variant Server 0.00008; gnomAD 0.00017; TOPMed 0.00018; ExAC 0.00026; 1000 Genomes Project 30x 0.00031; 1000 Genomes Project 0.00040; gnomAD exomes 0.00041.
gnomAD v4.1: 585 of 1,512,876 alleles (0.039%); highest among the groups gnomAD compares: Non-Finnish European, 0.049%; no homozygotes.

Submissions (2):

CeGaT Center for Human Genetics Tuebingen
Classification: Likely benign. Last evaluated: 2025-11-01. Review status: criteria provided, single submitter. Criteria: CeGaT Center For Human Genetics Tuebingen Variant Classification Criteria Version 2. Collection method: clinical testing. Allele origin: germline. Affected: yes. Observed: 4 variant alleles.
Comment: KDM4B: PP2, BS2

Centre of Medical Genetics, University Hospital Muenster
Classification: Uncertain significance. Last evaluated: 2022-11-16. Review status: criteria provided, single submitter. Criteria: ACMG Guidelines, 2015. Collection method: clinical testing. Allele origin: unknown. Affected: yes. Observed: 1 variant allele, 1 heterozygote.
Comment: ACMG categories: BP1

NM_015015.3(KDM4B):c.1336C>T (p.Arg446Trp)

Gene: KDM4B (lysine demethylase 4B; plus strand). Cytogenetic location: 19p13.3.
Variant type: single nucleotide variant.
Coding change: c.1336C>T on transcript NM_015015.3 (MANE Select); coding-DNA position 1336, C replaced by T.
Protein change: p.Arg446Trp; replaces arginine 446 with tryptophan.
Molecular consequence: missense variant.
Genome position (GRCh38, 1-based): chr19:5,131,096, C>T. VCF-style: chr19-5131096-C-T. GRCh37 (hg19) VCF-style: chr19-5131107-C-T.
Other names: c.1438C>T, p.Arg480Trp (NM_001411148.1); short protein forms R446W, R480W.
Identifiers: ClinVar variation 2430309 (VCV002430309.26), dbSNP rs201358147, ClinGen allele CA9107809.